The following is an entry in ClinVar:

NM_153704.6(TMEM67):c.231A>C (p.Ser77=)

Gene: TMEM67 (transmembrane protein 67; plus strand). Cytogenetic location: 8q22.1.
Variant type: single nucleotide variant.
Coding change: c.231A>C on transcript NM_153704.6 (MANE Select); coding-DNA position 231, A replaced by C.
Protein change: p.Ser77=; no amino-acid change (serine 77 retained).
Molecular consequence: synonymous variant. On other transcripts: non-coding transcript variant (1), intron variant (1).
Genome position (GRCh38, 1-based): chr8:93,755,785, A>C. VCF-style: chr8-93755785-A-C. GRCh37 (hg19) VCF-style: chr8-94768013-A-C.
Other names: c.-62+648A>C (NM_001142301.1).
Identifiers: ClinVar variation 3349244 (VCV003349244.1).
Genomic context (GRCh38, chr8:93,755,785, plus strand): 5'-TTTTTATTTATCAAGGATAAAATTGGCTTTTTTTTTTTTTTTTTTTTTTTTAGGAACTTC[A>C]TGTGTATGTCTACCAGGATTTCAGATGATCTCTAATAATGGAGGACCTGCTATTATTTGT-3'
Protein context (NP_714915.3, residues 67-87): ANQRQDARGT[Ser77=]CVCLPGFQMI

ClinVar aggregate classification (germline): Likely benign (0 of 4 stars; one submission).

Conditions:
TMEM67-related disorder. Also called: TMEM67-related condition; TMEM67-related disorders. Identifiers: MedGen CN239423.

Submission:

PreventionGenetics, part of Exact Sciences
Classification: Likely benign for TMEM67-related condition. Last evaluated: 2024-08-21. Review status: no assertion criteria provided. Collection method: clinical testing. Allele origin: germline.
Comment: This variant is classified as likely benign based on ACMG/AMP sequence variant interpretation guidelines (Richards et al. 2015 PMID: 25741868, with internal and published modifications).